The following is an entry in ClinVar:

NM_005359.6(SMAD4):c.955+6T>C

Gene: SMAD4 (SMAD family member 4; plus strand). Cytogenetic location: 18q21.2.
Variant type: single nucleotide variant.
Coding change: c.955+6T>C on transcript NM_005359.6 (MANE Select); 6 bases into the intron after coding-DNA position 955, T replaced by C.
Molecular consequence: intron variant.
Genome position (GRCh38, 1-based): chr18:51,059,922, T>C. VCF-style: chr18-51059922-T-C. GRCh37 (hg19) VCF-style: chr18-48586292-T-C.
Identifiers: ClinVar variation 2061647 (VCV002061647.5), dbSNP rs1326770977, ClinGen allele CA780224695.

ClinVar aggregate classification (germline): Uncertain significance. Review status: criteria provided, multiple submitters, no conflicts (2 of 4 stars). 2 submissions from 2 submitters: Uncertain significance (2). Last evaluated 2024-01-07.

Conditions:
Juvenile polyposis syndrome (JPS). Identifiers: Orphanet 2929, MedGen C0345893, MONDO:0017380, OMIM 174900.

Allele frequency attached by ClinVar (database versions not stated): TOPMed below 0.00001.

Submissions (2):

Women's Health and Genetics/Laboratory Corporation of America, LabCorp
Classification: Uncertain significance. Last evaluated: 2024-01-07. Review status: criteria provided, single submitter. Criteria: LabCorp Variant Classification Summary - May 2015. Collection method: clinical testing. Allele origin: germline.

Labcorp Genetics (formerly Invitae), Labcorp
Classification: Uncertain significance for Juvenile polyposis syndrome. Last evaluated: 2021-12-27. Review status: criteria provided, single submitter. Criteria: Invitae Variant Classification Sherloc (09022015). Collection method: clinical testing. Allele origin: germline.
Comment: In summary, the available evidence is currently insufficient to determine the role of this variant in disease. Therefore, it has been classified as a Variant of Uncertain Significance. Variants that disrupt the consensus splice site are a relatively common cause of aberrant splicing (PMID: 17576681, 9536098). Algorithms developed to predict the effect of sequence changes on RNA splicing suggest that this variant may disrupt the consensus splice site. This variant has not been reported in the literature in individuals affected with SMAD4-related conditions. This variant is not present in population databases (gnomAD no frequency). This sequence change falls in intron 8 of the SMAD4 gene. It does not directly change the encoded amino acid sequence of the SMAD4 protein. It affects a nucleotide within the consensus splice site.

Literature cited by the submitters: PubMed 17576681 (cited by Labcorp Genetics (formerly Invitae), Labcorp); PubMed 9536098 (cited by Labcorp Genetics (formerly Invitae), Labcorp).